The following is an entry in ClinVar:

NM_001267550.2(TTN):c.87308A>G (p.Asn29103Ser)

Genes: TTN (titin; minus strand), TTN-AS1 (TTN antisense RNA 1; plus strand). Cytogenetic location: 2q31.2.
Variant type: single nucleotide variant.
Coding change: c.87308A>G on transcript NM_001267550.2 (MANE Select); coding-DNA position 87308, A replaced by G.
Protein change: p.Asn29103Ser; replaces asparagine 29103 with serine.
Molecular consequence: missense variant.
Genome position (GRCh38, 1-based): chr2:178,558,046, T>C on the plus strand (A>G on the coding strand, the complement: TTN is on the minus strand). VCF-style: chr2-178558046-T-C. GRCh37 (hg19) VCF-style: chr2-179422773-T-C.
Other names: p.Asn27462Ser; c.82385A>G, p.Asn27462Ser (NM_001256850.1); c.60113A>G, p.Asn20038Ser (NM_003319.4); c.79604A>G, p.Asn26535Ser (NM_133378.4); c.60488A>G, p.Asn20163Ser (NM_133432.3); c.60689A>G, p.Asn20230Ser (NM_133437.4); short protein forms N20038S, N20163S, N20230S, N26535S, N27462S, N29103S.
Identifiers: ClinVar variation 3380868 (VCV003380868.3).

ClinVar aggregate classification (germline): Uncertain significance. Review status: criteria provided, multiple submitters, no conflicts (2 of 4 stars). 3 submissions from 3 submitters: Uncertain significance (3). Last evaluated 2025-06-23.

gnomAD v4.1: 7 of 1,613,840 alleles (0.00043%); highest among the groups gnomAD compares: African/African-American, 0.0053%; no homozygotes.

Submissions (3):

Revvity Omics, Revvity
Classification: Uncertain significance. Last evaluated: 2025-06-23. Review status: criteria provided, single submitter. Criteria: ACMG Guidelines, 2015. Collection method: clinical testing. Allele origin: germline.

GeneDx
Classification: Uncertain significance. Last evaluated: 2024-07-11. Review status: criteria provided, single submitter. Criteria: GeneDx Variant Classification Process June 2021. Collection method: clinical testing. Allele origin: germline. Affected: yes.
Comment: Not observed at significant frequency in large population cohorts (gnomAD); Missense variant in a gene in which most reported pathogenic variants are truncating/loss of function; Has not been previously published as pathogenic or benign to our knowledge

Mayo Clinic Laboratories, Mayo Clinic
Classification: Uncertain significance. Last evaluated: 2024-01-26. Review status: criteria provided, single submitter. Criteria: ACMG Guidelines, 2015. Collection method: clinical testing. Allele origin: germline. Observed: 1 variant allele.
Comment: BP4